The following is an entry in ClinVar:

ClinVar aggregate classification (germline): Likely benign. Review status: criteria provided, single submitter (1 of 4 stars). 2 submissions from 2 submitters: Likely benign (1). 1 of the submissions does not count toward it. Last evaluated 2026-02-02.

Conditions:
Multiple congenital exostosis (EXT). Also called: Hereditary multiple osteochondromas; Hereditary multiple exostoses; Hereditary multiple exostosis; Multiple exostoses; MULTIPLE CARTILAGINOUS EXOSTOSES; Multiple osteochondromas. Identifiers: Orphanet 321, MedGen C0015306, MONDO:0005508, HP:0002762.
EXT1-related disorder. Also called: EXT1-related condition.

Allele frequency attached by ClinVar (database versions not stated): gnomAD 0.00002 and 0.00003; gnomAD exomes 0.00002 and 0.00009; TOPMed 0.00002; ExAC 0.00010; 1000 Genomes Project 0.00040; 1000 Genomes Project 30x 0.00047.
gnomAD v4.1: 30 of 1,614,078 alleles (0.0019%); highest among the groups gnomAD compares: East Asian, 0.056%; no homozygotes.

Submissions (2):

Labcorp Genetics (formerly Invitae), Labcorp
Classification: Likely benign for Multiple congenital exostosis. Last evaluated: 2026-02-02. Review status: criteria provided, single submitter. Criteria: Invitae Variant Classification Sherloc (09022015). Collection method: clinical testing. Allele origin: germline.

PreventionGenetics, part of Exact Sciences
Classification: Likely benign for EXT1-related condition. Last evaluated: 2019-08-21. Review status: no assertion criteria provided. Collection method: clinical testing. Allele origin: germline. Not counted in ClinVar's aggregate classification.
Comment: This variant is classified as likely benign based on ACMG/AMP sequence variant interpretation guidelines (Richards et al. 2015 PMID: 25741868, with internal and published modifications).

NM_000127.3(EXT1):c.768C>T (p.Ile256=)

Gene: EXT1 (exostosin glycosyltransferase 1; minus strand). Cytogenetic location: 8q24.11.
Variant type: single nucleotide variant.
Coding change: c.768C>T on transcript NM_000127.3 (MANE Select); coding-DNA position 768, C replaced by T.
Protein change: p.Ile256=; no amino-acid change (isoleucine 256 retained).
Molecular consequence: synonymous variant.
Genome position (GRCh38, 1-based): chr8:118,110,279, G>A on the plus strand (C>T on the coding strand, the complement: EXT1 is on the minus strand). VCF-style: chr8-118110279-G-A. GRCh37 (hg19) VCF-style: chr8-119122518-G-A.
Identifiers: ClinVar variation 739330 (VCV000739330.13), dbSNP rs566692634, ClinGen allele CA4854319.
Genomic context (GRCh38, chr8:118,110,279, plus strand): 5'-TCCTATCCCTGTCAGGTACCTCTTCCCCTTGAATACCAGCATGTACTTCCTGAGAGGAGG[G>A]ATGGTGTTGAACTTCAAAAACCCCCTCTCCCCTCCTGTCCTGGGATGATCCTTAGAAAAG-3'
Protein context (NP_000118.2, residues 246-266): GERGFLKFNT[Ile256=]PPLRKYMLVF